The following is an entry in ClinVar:

NM_024675.4(PALB2):c.1616_1617dup (p.Asn540fs)

Gene: PALB2 (partner and localizer of BRCA2; minus strand). Cytogenetic location: 16p12.2.
Variant type: Duplication.
Coding change: c.1616_1617dup on transcript NM_024675.4 (MANE Select); coding-DNA positions 1616 to 1617, 2 bases duplicated (TT; older notation c.1616_1617dupTT).
Protein change: p.Asn540fs; shifts the reading frame from asparagine 540.
Molecular consequence: frameshift variant.
Genome position (GRCh38, 1-based): chr16:23,634,929-23,634,930, AA duplicated on the plus strand (TT on the coding strand, the reverse complement: PALB2 is on the minus strand). VCF-style (leftmost placement, unchanged base first): chr16-23634928-T-TAA. GRCh37 (hg19) VCF-style: chr16-23646249-T-TAA.
Other names: c.1616_1617dupTT (NM_024675.3); short protein forms N540fs.
Identifiers: ClinVar variation 186949 (VCV000186949.20), dbSNP rs786203346, ClinGen allele CA196319.

ClinVar aggregate classification (germline): Pathogenic. Review status: criteria provided, multiple submitters, no conflicts (2 of 4 stars). 6 submissions from 6 submitters: Pathogenic (5). 1 of the submissions does not count toward it. Last evaluated 2025-10-09.

Conditions:
Inherited breast cancer and ovarian cancer.
PALB2-related disorder. Also called: PALB2-related condition; PALB2-related disorders.
Familial cancer of breast. Also called: BREAST CANCER, FAMILIAL; Hereditary breast cancer; hereditary breast carcinoma. Identifiers: Orphanet 227535, MedGen C0346153, MONDO:0016419, OMIM 114480. Disease mechanism: loss of function.
Fanconi anemia complementation group N. Also called: PALB2-Related Fanconi Anemia. Identifiers: Orphanet 84, MedGen C1835817, MONDO:0012565, OMIM 610832. Disease mechanism: loss of function.
Pancreatic cancer, susceptibility to, 3. Identifiers: Orphanet 1333, MedGen C3150547, MONDO:0013236, OMIM 613348.
Hereditary cancer-predisposing syndrome. Also called: Hereditary Cancer Syndrome; Neoplastic Syndromes, Hereditary; Tumor predisposition; Hereditary neoplastic syndrome. Identifiers: Orphanet 140162, MedGen C0027672, MeSH D009386, MONDO:0015356.

Allele frequency attached by ClinVar (database versions not stated): gnomAD exomes below 0.00001; TOPMed below 0.00001; gnomAD 0.00001.

Submissions (6):

Genetics Laboratory, Great Ormond Street Hospital NHS Foundation Trust, North Thames Genomic Laboratory Hub
Classification: Pathogenic for Inherited breast cancer and ovarian cancer. Last evaluated: 2025-10-09. Review status: criteria provided, single submitter. Criteria: CanVIG PALB2 Gene Specific V1.2. Collection method: clinical testing. Allele origin: germline. Affected: yes.
Comment: PM2_supporting, PVS1_very-strong, PM5_supporting

Labcorp Genetics (formerly Invitae), Labcorp
Classification: Pathogenic for Familial cancer of breast. Last evaluated: 2025-10-01. Review status: criteria provided, single submitter. Criteria: Invitae Variant Classification Sherloc (09022015). Collection method: clinical testing. Allele origin: germline.
Comment: This sequence change creates a premature translational stop signal (p.Asn540Leufs*22) in the PALB2 gene. It is expected to result in an absent or disrupted protein product. Loss-of-function variants in PALB2 are known to be pathogenic (PMID: 17200668, 17200671, 17200672, 24136930, 25099575). This variant is present in population databases (rs786203346, gnomAD 0.0009%). This variant has not been reported in the literature in individuals affected with PALB2-related conditions. ClinVar contains an entry for this variant (Variation ID: 186949). Algorithms developed to predict the effect of sequence changes on RNA splicing suggest that this variant may create or strengthen a splice site. For these reasons, this variant has been classified as Pathogenic.

Ambry Genetics
Classification: Pathogenic for Hereditary cancer-predisposing syndrome. Last evaluated: 2024-08-16. Review status: criteria provided, single submitter. Criteria: Ambry Variant Classification Scheme 2023. Collection method: clinical testing. Allele origin: germline.
Comment: The c.1616_1617dupTT pathogenic mutation, located in coding exon 4 of the PALB2 gene, results from a duplication of TT at nucleotide positions 1616 to 1617, causing a translational frameshift with a predicted alternate stop codon (p.N540Lfs*22). This variant was reported in 1/60,466 breast cancer cases and in 0/53,461 controls (Dorling et al. N Engl J Med. 2021 02;384:428-439). This variant is considered to be rare based on population cohorts in the Genome Aggregation Database (gnomAD). In addition to the clinical data presented in the literature, this alteration is expected to result in loss of function by premature protein truncation or nonsense-mediated mRNA decay. As such, this alteration is interpreted as a disease-causing mutation.

Myriad Genetics, Inc.
Classification: Pathogenic for Familial cancer of breast. Last evaluated: 2023-09-11. Review status: criteria provided, single submitter. Criteria: Myriad Autosomal Dominant, Autosomal Recessive and X-Linked Classification Criteria (2023). Collection method: clinical testing. Allele origin: unknown.
Comment: This variant is considered pathogenic. This variant creates a frameshift predicted to result in premature protein truncation.

Baylor Genetics
Classification: Pathogenic for Familial cancer of breast. Last evaluated: 2022-04-11. Review status: criteria provided, single submitter. Criteria: ACMG Guidelines, 2015. Collection method: clinical testing. Allele origin: unknown.

PreventionGenetics, part of Exact Sciences
Classification: Pathogenic for PALB2-related condition. Last evaluated: 2024-05-08. Review status: no assertion criteria provided. Collection method: clinical testing. Allele origin: germline. Not counted in ClinVar's aggregate classification.
Comment: The PALB2 c.1616_1617dupTT variant is predicted to result in a frameshift and premature protein termination (p.Asn540Leufs*22). This variant has been reported in a family with a history of breast, ovarian, prostate and colon cancers (Yang et al 2020. PubMed ID: 31841383). This variant is reported in 0.00088% of alleles in individuals of European (non-Finnish) descent in gnomAD. It is interpreted as Pathogenic in ClinVar. Frameshift variants in PALB2 are expected to be pathogenic. This variant is interpreted as pathogenic.

Literature cited by the submitters: PubMed 17200668 (cited by Labcorp Genetics (formerly Invitae), Labcorp); PubMed 17200671 (cited by Labcorp Genetics (formerly Invitae), Labcorp); PubMed 17200672 (cited by Labcorp Genetics (formerly Invitae), Labcorp); PubMed 24136930 (cited by Labcorp Genetics (formerly Invitae), Labcorp); PubMed 25099575 (cited by Labcorp Genetics (formerly Invitae), Labcorp); PubMed 33471991 (cited by Ambry Genetics).